The following is an entry in ClinVar:

NM_014363.6(SACS):c.6952G>A (p.Ala2318Thr)

Gene: SACS (sacsin molecular chaperone; minus strand). Cytogenetic location: 13q12.12.
Variant type: single nucleotide variant.
Coding change: c.6952G>A on transcript NM_014363.6 (MANE Select); coding-DNA position 6952, G replaced by A.
Protein change: p.Ala2318Thr; replaces alanine 2318 with threonine.
Molecular consequence: missense variant.
Genome position (GRCh38, 1-based): chr13:23,336,924, C>T on the plus strand (G>A on the coding strand, the complement: SACS is on the minus strand). VCF-style: chr13-23336924-C-T. GRCh37 (hg19) VCF-style: chr13-23911063-C-T.
Other names: p.Ala2318Thr; c.6511G>A, p.Ala2171Thr (NM_001278055.2); short protein forms A2318T, A2171T.
Identifiers: ClinVar variation 311528 (VCV000311528.37), dbSNP rs147949881, ClinGen allele CA6910993.

ClinVar aggregate classification (germline): Conflicting classifications of pathogenicity. Review status: criteria provided, conflicting classifications (1 of 4 stars). 12 submissions from 12 submitters: Uncertain significance (9); Likely benign (2). 1 of the submissions does not count toward it. Last evaluated 2026-01-13.

Conditions:
Spastic paraplegia. Identifiers: MedGen C0037772, HP:0001258.
Charlevoix-Saguenay spastic ataxia (SACS). Also called: SPASTIC ATAXIA 6, AUTOSOMAL RECESSIVE; AUTOSOMAL RECESSIVE SPASTIC ATAXIA OF CHARLEVOIX-SAGUENAY; Spastic ataxia of Charlevoix-Saguenay. Identifiers: Orphanet 98, MedGen C1849140, MONDO:0010041, OMIM 270550.
Spastic ataxia. Identifiers: Orphanet 316226, MedGen C1849156, MONDO:0017845, HP:0002497.
Hereditary spastic paraplegia. Also called: Familial spastic paraparesis. Identifiers: Orphanet 685, MedGen C0037773, MONDO:0019064. Disease mechanism: loss of function.
Inborn genetic diseases. Identifiers: MedGen C0950123, MeSH D030342.

Allele frequency attached by ClinVar (database versions not stated): ExAC 0.00020; gnomAD exomes 0.00020 and 0.00033; gnomAD 0.00022 and 0.00024; TOPMed 0.00023; ESP Exome Variant Server 0.00069.
gnomAD v4.1: 534 of 1,613,750 alleles (0.033%); highest among the groups gnomAD compares: South Asian, 0.044%; no homozygotes.

Submissions (12):

Labcorp Genetics (formerly Invitae), Labcorp
Classification: Likely benign for Spastic paraplegia. Last evaluated: 2026-01-13. Review status: criteria provided, single submitter. Criteria: Invitae Variant Classification Sherloc (09022015). Collection method: clinical testing. Allele origin: germline.

Mayo Clinic Laboratories, Mayo Clinic
Classification: Uncertain significance. Last evaluated: 2025-08-08. Review status: criteria provided, single submitter. Criteria: ACMG Guidelines, 2015. Collection method: clinical testing. Allele origin: germline. Observed: 3 variant alleles.
Comment: PP3

CeGaT Center for Human Genetics Tuebingen
Classification: Uncertain significance. Last evaluated: 2025-07-01. Review status: criteria provided, single submitter. Criteria: CeGaT Center For Human Genetics Tuebingen Variant Classification Criteria Version 2. Collection method: clinical testing. Allele origin: germline. Affected: yes. Observed: 1 variant allele.
Comment: SACS: PM2

Athena Diagnostics
Classification: Likely benign. Last evaluated: 2025-03-06. Review status: criteria provided, single submitter. Criteria: Athena Diagnostics Criteria. Collection method: clinical testing. Allele origin: unknown.
Comment: The frequency of this variant in the general population is higher than would generally be expected for pathogenic variants in this gene. This variant has been seen where an alternate explanation for disease was also identified.

GeneDx
Classification: Uncertain significance. Last evaluated: 2024-09-18. Review status: criteria provided, single submitter. Criteria: GeneDx Variant Classification Process June 2021. Collection method: clinical testing. Allele origin: germline. Affected: yes.
Comment: Identified in a patient with spinocerebellar ataxia in published literature, although clinical details and segregation data was not provided (PMID: 34445196); In silico analysis indicates that this missense variant does not alter protein structure/function; This variant is associated with the following publications: (PMID: 34445196)

Genome-Nilou Lab
Classification: Uncertain significance for Charlevoix-Saguenay spastic ataxia. Last evaluated: 2021-09-05. Review status: criteria provided, single submitter. Criteria: ACMG Guidelines, 2015. Collection method: clinical testing. Allele origin: germline. Affected: no.

Ambry Genetics
Classification: Uncertain significance for Inborn genetic diseases. Last evaluated: 2021-06-29. Review status: criteria provided, single submitter. Criteria: Ambry Variant Classification Scheme 2023. Collection method: clinical testing. Allele origin: germline.

Molecular Medicine for Neurodegenerative and Neuromuscular Diseases Unit, IRCCS Fondazione Stella Maris
Classification: Uncertain significance for Spastic ataxia. Last evaluated: 2021-01-04. Review status: criteria provided, single submitter. Criteria: ACMG Guidelines, 2015. Collection method: research. Allele origin: unknown. Affected: yes.

Genome Diagnostics Laboratory, The Hospital for Sick Children
Classification: Uncertain significance for Hereditary spastic paraplegia. Last evaluated: 2019-10-01. Review status: criteria provided, single submitter. Criteria: ACMG Guidelines, 2015. Collection method: clinical testing. Allele origin: germline. Affected: yes.

Illumina Laboratory Services, Illumina
Classification: Uncertain significance for Charlevoix-Saguenay spastic ataxia. Last evaluated: 2018-01-13. Review status: criteria provided, single submitter. Criteria: ICSL Variant Classification Criteria 13 December 2019. Collection method: clinical testing. Allele origin: germline.

Neuberg Centre For Genomic Medicine, NCGM
Classification: Uncertain significance for Charlevoix-Saguenay spastic ataxia. Review status: criteria provided, single submitter. Criteria: ACMG Guidelines, 2015. Collection method: clinical testing. Allele origin: germline. Inheritance: Autosomal recessive inheritance. Affected: yes.
Comment: The missense variant p.A2318T in SACS (NM_014363.6) has not been reported previously as a pathogenic variant nor as a benign variant, to our knowledge. It has been submitted to ClinVar with varying interpretations of pathogenicity- Uncertain Significance/ Likely Benign., however no details are available for independent assessment. The p.A2318T missense variant is predicted to be damaging by both SIFT and PolyPhen2. The alanine residue at codon 2318 of SACS is conserved in all mammalian species. The nucleotide c.6952 in SACS is predicted conserved by GERP++ and PhyloP across 100 vertebrates. For these reasons, this variant has been classified as Uncertain Significance.

Natera, Inc.
Classification: Uncertain significance for Charlevoix-Saguenay type spastic ataxia. Last evaluated: 2019-12-24. Review status: no assertion criteria provided. Collection method: clinical testing. Allele origin: germline. Not counted in ClinVar's aggregate classification.

Literature cited by the submitters: PubMed 34445196 (cited by Mayo Clinic Laboratories, Mayo Clinic).